The following is an entry in ClinVar:

NM_206933.4(USH2A):c.6589A>G (p.Thr2197Ala)

Gene: USH2A (usherin; minus strand). Cytogenetic location: 1q41.
Variant type: single nucleotide variant.
Coding change: c.6589A>G on transcript NM_206933.4 (MANE Select); coding-DNA position 6589, A replaced by G.
Protein change: p.Thr2197Ala; replaces threonine 2197 with alanine.
Molecular consequence: missense variant.
Genome position (GRCh38, 1-based): chr1:215,998,955, T>C on the plus strand (A>G on the coding strand, the complement: USH2A is on the minus strand). VCF-style: chr1-215998955-T-C. GRCh37 (hg19) VCF-style: chr1-216172297-T-C.
Other names: short protein forms T2197A.
Identifiers: ClinVar variation 1365941 (VCV001365941.8), dbSNP rs887441664, ClinGen allele CA16602212.

ClinVar aggregate classification (germline): Uncertain significance. Review status: criteria provided, multiple submitters, no conflicts (2 of 4 stars). 5 submissions from 4 submitters: Uncertain significance (5). Last evaluated 2023-11-04.

Conditions:
Retinitis pigmentosa 39 (RP39). Identifiers: Orphanet 791, MedGen C3151138, MONDO:0013436, OMIM 613809.
Usher syndrome type 2A. Also called: RETINAL DISEASE IN USHER SYNDROME TYPE IIA, MODIFIER OF; USHER SYNDROME, TYPE IIA. Identifiers: Orphanet 231178, Orphanet 886, MedGen C1848634, MONDO:0010169, OMIM 276901.

Allele frequency attached by ClinVar (database versions not stated): gnomAD 0.00001; gnomAD exomes 0.00001 and 0.00004; TOPMed 0.00002.
gnomAD v4.1: 54 of 1,613,176 alleles (0.0033%); highest among the groups gnomAD compares: Non-Finnish European, 0.0044%; no homozygotes.

Submissions (5):

Genome-Nilou Lab
Classification: Uncertain significance for Retinitis pigmentosa 39. Last evaluated: 2023-11-04. Review status: criteria provided, single submitter. Criteria: ACMG Guidelines, 2015. Collection method: clinical testing. Allele origin: germline. Affected: no.

Genome-Nilou Lab
Classification: Uncertain significance for Usher syndrome type 2A. Last evaluated: 2023-11-04. Review status: criteria provided, single submitter. Criteria: ACMG Guidelines, 2015. Collection method: clinical testing. Allele origin: germline. Affected: no.

Labcorp Genetics (formerly Invitae), Labcorp
Classification: Uncertain significance. Last evaluated: 2022-04-22. Review status: criteria provided, single submitter. Criteria: Invitae Variant Classification Sherloc (09022015). Collection method: clinical testing. Allele origin: germline.
Comment: This sequence change replaces threonine, which is neutral and polar, with alanine, which is neutral and non-polar, at codon 2197 of the USH2A protein (p.Thr2197Ala). This variant is present in population databases (no rsID available, gnomAD 0.0009%). This variant has not been reported in the literature in individuals affected with USH2A-related conditions. Algorithms developed to predict the effect of missense changes on protein structure and function are either unavailable or do not agree on the potential impact of this missense change (SIFT: "Deleterious"; PolyPhen-2: "Benign"; Align-GVGD: "Class C55"). In summary, the available evidence is currently insufficient to determine the role of this variant in disease. Therefore, it has been classified as a Variant of Uncertain Significance.

GeneDx
Classification: Uncertain significance. Last evaluated: 2022-04-04. Review status: criteria provided, single submitter. Criteria: GeneDx Variant Classification Process June 2021. Collection method: clinical testing. Allele origin: germline. Affected: yes.
Comment: Not observed at significant frequency in large population cohorts (gnomAD); In silico analysis supports that this missense variant does not alter protein structure/function; Has not been previously published as pathogenic or benign to our knowledge

Blueprint Genetics
Classification: Uncertain significance. Last evaluated: 2021-09-09. Review status: criteria provided, single submitter. Criteria: ACMG Guidelines, 2015. Collection method: clinical testing. Allele origin: germline.